The following is an entry in ClinVar:

ClinVar aggregate classification (germline): Pathogenic/Likely pathogenic. Review status: criteria provided, multiple submitters, no conflicts (2 of 4 stars). 2 submissions from 2 submitters: Pathogenic (1); Likely pathogenic (1). Last evaluated 2026-01-16.

Conditions:
Myofibrillar myopathy 8. Identifiers: MedGen C4310645, MONDO:0014993, OMIM 617258.

Submissions (2):

Dasa
Classification: Likely pathogenic for Myofibrillar myopathy 8. Last evaluated: 2026-01-16. Review status: criteria provided, single submitter. Criteria: DASA Assertion Criteria. Collection method: clinical testing. Allele origin: germline.
Comment: NM_024854.5(PYROXD1):c.332_333del (p.Cys111Serfs*6) is a frameshift variant in PYROXD1 predicted to alter the reading frame and introduce a premature termination codon and is predicted to result in an absent or altered protein product. Loss of function is an established disease mechanism for PYROXD1-associated disorders. Also, this variant is rare in population databases. Based on the currently available evidence, this variant is classified as likely pathogenic.

Labcorp Genetics (formerly Invitae), Labcorp
Classification: Pathogenic. Last evaluated: 2025-04-10. Review status: criteria provided, single submitter. Criteria: Invitae Variant Classification Sherloc (09022015). Collection method: clinical testing. Allele origin: germline.
Comment: This sequence change creates a premature translational stop signal (p.Cys111Serfs*6) in the PYROXD1 gene. It is expected to result in an absent or disrupted protein product. Loss-of-function variants in PYROXD1 are known to be pathogenic (PMID: 27745833). This variant is present in population databases (no rsID available, gnomAD 0.003%). This variant has not been reported in the literature in individuals affected with PYROXD1-related conditions. ClinVar contains an entry for this variant (Variation ID: 3702107). For these reasons, this variant has been classified as Pathogenic.

Literature cited by the submitters: PubMed 27745833 (cited by Labcorp Genetics (formerly Invitae), Labcorp).

NM_024854.5(PYROXD1):c.332_333del (p.Cys111fs)

Gene: PYROXD1 (pyridine nucleotide-disulphide oxidoreductase domain 1; plus strand). Cytogenetic location: 12p12.1.
Variant type: Deletion.
Coding change: c.332_333del on transcript NM_024854.5 (MANE Select); coding-DNA positions 332 to 333, 2 bases deleted (GT; older notation c.332_333delGT).
Protein change: p.Cys111fs; shifts the reading frame from cysteine 111.
Molecular consequence: frameshift variant. On other transcripts: 5 prime UTR variant (1).
Genome position (GRCh38, 1-based): chr12:21,449,609-21,449,610, GT deleted; deleting any 2 consecutive bases within chr12:21,449,608-21,449,610 gives the same sequence; the c. name uses the placement nearest the transcript's 3' end. VCF-style (leftmost placement, unchanged base first): chr12-21449607-CTG-C. GRCh37 (hg19) VCF-style: chr12-21602541-CTG-C.
Other names: c.119_120del, p.Cys40fs (NM_001350912.2); c.-372_-371del (NM_001350913.2); short protein forms C40fs, C111fs.
Identifiers: ClinVar variation 3702107 (VCV003702107.4).